The following is an entry in ClinVar:

ClinVar aggregate classification (germline): Likely pathogenic (1 of 4 stars; one submission).

Conditions:
Progressive muscular dystrophy. Identifiers: Orphanet 206644, MedGen C4551827, MONDO:0016106.

Submission:

Myriad Genetics, Inc.
Classification: Likely pathogenic for Progressive muscular dystrophy. Last evaluated: 2020-02-25. Review status: criteria provided, single submitter. Criteria: Myriad Autosomal Dominant, Autosomal Recessive and X-Linked Classification Criteria (2023). Collection method: clinical testing. Allele origin: unknown.
Comment: NM_004006.2(DMD):c.7833T>A(Y2611*) is expected to be pathogenic in the context of dystrophinopathy (including Duchenne/Becker muscular dystrophy). This variant is predicted to lead to an abnormal or absent protein product due to the creation of a premature termination codon in DMD, a gene where loss-of-function variants are known to be pathogenic. Please note: this variant was assessed in the context of healthy population screening.

NM_004006.3(DMD):c.7833T>A (p.Tyr2611Ter)

Gene: DMD (dystrophin; minus strand). Cytogenetic location: Xp21.1.
Variant type: single nucleotide variant.
Coding change: c.7833T>A on transcript NM_004006.3 (MANE Select); coding-DNA position 7833, T replaced by A.
Protein change: p.Tyr2611Ter; replaces tyrosine 2611 with a stop codon.
Molecular consequence: nonsense.
Genome position (GRCh38, 1-based): chrX:31,679,414, A>T on the plus strand (T>A on the coding strand, the complement: DMD is on the minus strand). VCF-style: chrX-31679414-A-T. GRCh37 (hg19) VCF-style: chrX-31697531-A-T.
Other names: c.7809T>A, p.Tyr2603Ter (NM_000109.4); c.7821T>A, p.Tyr2607Ter (NM_004009.3); c.7464T>A, p.Tyr2488Ter (NM_004010.3); c.3810T>A, p.Tyr1270Ter (NM_004011.4); c.3801T>A, p.Tyr1267Ter (NM_004012.4); c.453T>A, p.Tyr151Ter (NM_004013.3, NM_004020.4, NM_004021.3 and 2 more transcripts); short protein forms Y1267*, Y1270*, Y151*, Y2488*, Y2603*, Y2607*, Y2611*.
Identifiers: ClinVar variation 984217 (VCV000984217.4), dbSNP rs2082254429, ClinGen allele CA412656634.
Genomic context (GRCh38, chrX:31,679,414, plus strand): 5'-AAAGGTATCTTTGATACTAACCTTGGTTTCTGTGATTTTCTTTTGGATTGCATCTACTGT[A>T]TAGGGACCCTCCTTCCATGACTCAAGCTTGGCTCTGGCCTGTCCTAAGACCTGCTCAGCT-3'